The following is an entry in ClinVar:

NM_004655.4(AXIN2):c.475G>C (p.Asp159His)

Gene: AXIN2 (axin 2; minus strand). Cytogenetic location: 17q24.1.
Variant type: single nucleotide variant.
Coding change: c.475G>C on transcript NM_004655.4 (MANE Select); coding-DNA position 475, G replaced by C.
Protein change: p.Asp159His; replaces aspartic acid 159 with histidine.
Molecular consequence: missense variant.
Genome position (GRCh38, 1-based): chr17:65,558,146, C>G on the plus strand (G>C on the coding strand, the complement: AXIN2 is on the minus strand). VCF-style: chr17-65558146-C-G. GRCh37 (hg19) VCF-style: chr17-63554264-C-G.
Other names: c.475G>C, p.Asp159His (NM_001363813.1); c.475G>C (LRG_296t1); short protein forms D159H.
Identifiers: ClinVar variation 648419 (VCV000648419.11), dbSNP rs753036084, ClinGen allele CA8719043.

ClinVar aggregate classification (germline): Uncertain significance. Review status: criteria provided, multiple submitters, no conflicts (2 of 4 stars). 2 submissions from 2 submitters: Uncertain significance (2). Last evaluated 2024-04-08.

Conditions:
Hereditary cancer-predisposing syndrome. Also called: Neoplastic Syndromes, Hereditary; Tumor predisposition; Hereditary Cancer Syndrome; Hereditary neoplastic syndrome. Identifiers: Orphanet 140162, MedGen C0027672, MeSH D009386, MONDO:0015356.
Oligodontia-cancer predisposition syndrome. Also called: TOOTH AGENESIS-COLORECTAL CANCER SYNDROME. Identifiers: Orphanet 300576, MedGen C1837750, MONDO:0012075, OMIM 608615. Disease mechanism: loss of function.

gnomAD v4.1: 4 of 1,614,176 alleles (0.00025%); highest among the groups gnomAD compares: Non-Finnish European, 0.00034%; no homozygotes.

Submissions (2):

Labcorp Genetics (formerly Invitae), Labcorp
Classification: Uncertain significance for Oligodontia-cancer predisposition syndrome. Last evaluated: 2024-04-08. Review status: criteria provided, single submitter. Criteria: Invitae Variant Classification Sherloc (09022015). Collection method: clinical testing. Allele origin: germline.
Comment: This sequence change replaces aspartic acid, which is acidic and polar, with histidine, which is basic and polar, at codon 159 of the AXIN2 protein (p.Asp159His). This variant is present in population databases (rs753036084, gnomAD 0.0009%). This variant has not been reported in the literature in individuals affected with AXIN2-related conditions. ClinVar contains an entry for this variant (Variation ID: 648419). Advanced modeling of protein sequence and biophysical properties (such as structural, functional, and spatial information, amino acid conservation, physicochemical variation, residue mobility, and thermodynamic stability) performed at Invitae indicates that this missense variant is expected to disrupt AXIN2 protein function with a positive predictive value of 80%. In summary, the available evidence is currently insufficient to determine the role of this variant in disease. Therefore, it has been classified as a Variant of Uncertain Significance.

Ambry Genetics
Classification: Uncertain significance for Hereditary cancer-predisposing syndrome. Last evaluated: 2021-12-14. Review status: criteria provided, single submitter. Criteria: Ambry Variant Classification Scheme 2023. Collection method: clinical testing. Allele origin: germline.
Comment: The p.D159H variant (also known as c.475G>C), located in coding exon 1 of the AXIN2 gene, results from a G to C substitution at nucleotide position 475. The aspartic acid at codon 159 is replaced by histidine, an amino acid with similar properties. This amino acid position is conserved. In addition, the in silico prediction for this alteration is inconclusive. Since supporting evidence is limited at this time, the clinical significance of this alteration remains unclear.